The following is an entry in ClinVar:

ClinVar aggregate classification (germline): Benign. Review status: criteria provided, multiple submitters, no conflicts (2 of 4 stars). 4 submissions from 4 submitters: Benign (3). 1 of the submissions does not count toward it. Last evaluated 2018-06-14.

Conditions:
Dilated cardiomyopathy 1C (CMD1C). Also called: CARDIOMYOPATHY, DILATED, 1C, WITH OR WITHOUT LEFT VENTRICULAR NONCOMPACTION; Cardiomyopathy, dilated, 1C, with or without LVNC. Identifiers: Orphanet 154, Orphanet 54260, MedGen C1832244, MONDO:0011094, OMIM 601493.

Allele frequency attached by ClinVar (database versions not stated): 1000 Genomes Project 30x 0.62211; TOPMed 0.65531; gnomAD exomes 0.67521 and 0.72423; ExAC 0.68751; ESP Exome Variant Server 0.71022; 1000 Genomes Project 0.62420; gnomAD 0.66820 and 0.66960.
gnomAD v4.1: 1,154,643 of 1,606,888 alleles (72%); highest among the groups gnomAD compares: South Asian, 79%; 419,785 homozygotes.

Submissions (4):

GeneDx
Classification: Benign. Last evaluated: 2018-06-14. Review status: criteria provided, single submitter. Criteria: GeneDx Variant Classification (06012015). Collection method: clinical testing. Allele origin: germline. Affected: yes.
Comment: This variant is considered likely benign or benign based on one or more of the following criteria: it is a conservative change, it occurs at a poorly conserved position in the protein, it is predicted to be benign by multiple in silico algorithms, and/or has population frequency not consistent with disease.

Breakthrough Genomics
Classification: Benign. Review status: criteria provided, single submitter. Criteria: ACMG Guidelines, 2015. Collection method: not provided. Allele origin: germline. Inheritance: Autosomal dominant inheritance. Affected: yes.

PreventionGenetics, part of Exact Sciences
Classification: Benign. Review status: criteria provided, single submitter. Criteria: ACMG Guidelines, 2015. Collection method: clinical testing. Allele origin: germline.

Cytogenetics- Mohapatra Lab, Banaras Hindu University
Classification: Uncertain significance for Dilated cardiomyopathy 1C. Last evaluated: 2014-09-11. Review status: no assertion criteria provided. Collection method: case-control. Allele origin: unknown. Affected: yes. Observed: 2 variant alleles. Not counted in ClinVar's aggregate classification.

NM_007078.3(LDB3):c.689+3825G>C

Genes: LDB3 (LIM domain binding 3; plus strand), LOC110121486 (VISTA enhancer hs2143; plus strand). Cytogenetic location: 10q23.2.
Variant type: single nucleotide variant.
Coding change: c.689+3825G>C on transcript NM_007078.3 (MANE Select); 3825 bases into the intron after coding-DNA position 689, G replaced by C.
Molecular consequence: intron variant.
Genome position (GRCh38, 1-based): chr10:86,685,628, G>C. VCF-style: chr10-86685628-G-C. GRCh37 (hg19) VCF-style: chr10-88445385-G-C.
Other names: c.689+3825G>C (NM_001368064.1, NM_001368063.1, NM_001368065.1 and 1 more transcripts); c.322-50G>C (NM_001368068.1, NM_001368066.1, NM_001080114.2 and 2 more transcripts); c.690-1441G>C (NM_001171610.2, NM_001171611.2).
Identifiers: ClinVar variation 257337 (VCV000257337.5), dbSNP rs3740345, ClinGen allele CA5584771.
Genomic context (GRCh38, chr10:86,685,628, plus strand): 5'-GCTGGTTCTGCCTCCACAATGACCAGGCTGATGATGGCCCCGGCGCTCAAACTGCCCCTG[G>C]TGGAGCCTCTCTCTGACCACCCTGTCTTCTTTGCCCTTTTCCTCCCCAGGTGGTAGTCAA-3'